The following is an entry in ClinVar:

NM_201384.3(PLEC):c.3289G>A (p.Gly1097Ser)

Gene: PLEC (plectin; minus strand). Cytogenetic location: 8q24.3.
Variant type: single nucleotide variant.
Coding change: c.3289G>A on transcript NM_201384.3 (MANE Select); coding-DNA position 3289, G replaced by A.
Protein change: p.Gly1097Ser; replaces glycine 1097 with serine.
Molecular consequence: missense variant.
Genome position (GRCh38, 1-based): chr8:143,927,964, C>T on the plus strand (G>A on the coding strand, the complement: PLEC is on the minus strand). VCF-style: chr8-143927964-C-T. GRCh37 (hg19) VCF-style: chr8-145002132-C-T.
Other names: c.3370G>A, p.Gly1124Ser (NM_000445.5); c.3247G>A, p.Gly1083Ser (NM_201378.4); c.3223G>A, p.Gly1075Ser (NM_201379.3); c.3700G>A, p.Gly1234Ser (NM_201380.4); c.3193G>A, p.Gly1065Ser (NM_201381.3); c.3289G>A, p.Gly1097Ser (NM_201382.4); c.3301G>A, p.Gly1101Ser (NM_201383.3); short protein forms G1234S, G1075S, G1083S, G1097S, G1065S, G1101S, G1124S.
Identifiers: ClinVar variation 835690 (VCV000835690.8), dbSNP rs201361172, ClinGen allele CA4927133.
Genomic context (GRCh38, chr8:143,927,964, plus strand): 5'-CCTGGGCCTCCTTGAGCTGCTCCTCGTGGGCCCTGAGCACCTCCTCGGCCCCCTGCGTGC[C>T]GCGGATCACCAGGCTGATGGTCTTGAGCCTGGCGGGAAAGCGGGGCTCAGGGCCATGACA-3'
Protein context (NP_958786.1, residues 1087-1107): KLKTISLVIR[Gly1097Ser]TQGAEEVLRA

ClinVar aggregate classification (germline): Uncertain significance. Review status: criteria provided, multiple submitters, no conflicts (2 of 4 stars). 2 submissions from 2 submitters: Uncertain significance (2). Last evaluated 2026-06-16.

Conditions:
PLEC-related disorder. Also called: PLEC-related condition; PLEC-related disorders.
Epidermolysis bullosa simplex 5C, with pyloric atresia (EBS5C). Also called: PLEC-Related Epidermolysis Bullosa with Pyloric Atresia; Epidermolysis bullosa simplex with pyloric atresia; PLEC1-Related Epidermolysis Bullosa with Pyloric Atresia. Identifiers: Orphanet 158684, MedGen C2677349, MONDO:0012807, OMIM 612138.
Epidermolysis bullosa simplex 5B, with muscular dystrophy (EBS5B). Also called: EPIDERMOLYSIS BULLOSA SIMPLEX AND LIMB-GIRDLE MUSCULAR DYSTROPHY; Epidermolysis bullosa simplex with muscular dystrophy. Identifiers: Orphanet 257, MedGen C2931072, MONDO:0009181, OMIM 226670.
Epidermolysis bullosa simplex with nail dystrophy (EBS5D). Identifiers: MedGen C4225309, MONDO:0014661, OMIM 616487.
Epidermolysis bullosa simplex, Ogna type (EBS5A). Also called: Pidermolysis bullosa simplex 5A, Ogna type; EPIDERMOLYSIS BULLOSA SIMPLEX 5A, OGNA TYPE. Identifiers: Orphanet 79401, MedGen C0432317, MONDO:0007555, OMIM 131950.
Autosomal recessive limb-girdle muscular dystrophy type 2Q (LGMDR17). Also called: MUSCULAR DYSTROPHY, LIMB-GIRDLE, AUTOSOMAL RECESSIVE 17. Identifiers: Orphanet 254361, MedGen C3150989, MONDO:0013390, OMIM 613723.

Allele frequency attached by ClinVar (database versions not stated): gnomAD exomes 0.00002 and 0.00005; gnomAD 0.00004; TOPMed 0.00006; ExAC 0.00007; 1000 Genomes Project 0.00040; 1000 Genomes Project 30x 0.00047.
gnomAD v4.1: 30 of 1,601,408 alleles (0.0019%); highest among the groups gnomAD compares: East Asian, 0.025%; no homozygotes.

Submissions (2):

PreventionGenetics, part of Exact Sciences
Classification: Uncertain significance for PLEC-related condition. Last evaluated: 2026-06-16. Review status: criteria provided, single submitter. Criteria: ACMG Guidelines, 2015. Collection method: clinical testing. Allele origin: germline.
Comment: The PLEC c.3370G>A variant is predicted to result in the amino acid substitution p.Gly1124Ser. To our knowledge, this variant has not been reported in the literature. This variant is reported in 0.034% of alleles in individuals of East Asian descent in gnomAD. At this time, the clinical significance of this variant is uncertain due to the absence of conclusive functional and genetic evidence.

Labcorp Genetics (formerly Invitae), Labcorp
Classification: Uncertain significance for Autosomal recessive limb-girdle muscular dystrophy type 2Q; Epidermolysis bullosa simplex, Ogna type; Epidermolysis bullosa simplex with nail dystrophy; Epidermolysis bullosa simplex 5C, with pyloric atresia; Epidermolysis bullosa simplex 5B, with muscular dystrophy. Last evaluated: 2025-06-06. Review status: criteria provided, single submitter. Criteria: Invitae Variant Classification Sherloc (09022015). Collection method: clinical testing. Allele origin: germline.
Comment: This sequence change replaces glycine, which is neutral and non-polar, with serine, which is neutral and polar, at codon 1124 of the PLEC protein (p.Gly1124Ser). This variant is present in population databases (rs201361172, gnomAD 0.04%). This variant has not been reported in the literature in individuals affected with PLEC-related conditions. ClinVar contains an entry for this variant (Variation ID: 835690). Invitae Evidence Modeling of protein sequence and biophysical properties (such as structural, functional, and spatial information, amino acid conservation, physicochemical variation, residue mobility, and thermodynamic stability) indicates that this missense variant is not expected to disrupt PLEC protein function with a negative predictive value of 80%. In summary, the available evidence is currently insufficient to determine the role of this variant in disease. Therefore, it has been classified as a Variant of Uncertain Significance.